The following is an entry in ClinVar:

ClinVar aggregate classification (germline): Benign/Likely benign. Review status: criteria provided, multiple submitters, no conflicts (2 of 4 stars). 4 submissions from 4 submitters: Benign (1); Likely benign (3). Last evaluated 2024-07-11.

Conditions:
BAP1-related tumor predisposition syndrome (TPDS1). Also called: BAP1 tumor predisposition syndrome; COMMON Syndrome; TUMOR PREDISPOSITION SYNDROME 1; Tumor susceptibility linked to germline BAP1 mutations. Identifiers: Orphanet 289539, MedGen C3280492, MONDO:0013692, OMIM 614327.
Hereditary cancer-predisposing syndrome. Also called: Hereditary Cancer Syndrome; Neoplastic Syndromes, Hereditary; Hereditary neoplastic syndrome; Tumor predisposition. Identifiers: Orphanet 140162, MedGen C0027672, MeSH D009386, MONDO:0015356.

Allele frequency attached by ClinVar (database versions not stated): TOPMed below 0.00001.

Submissions (4):

Myriad Genetics, Inc.
Classification: Benign for BAP1-related tumor predisposition syndrome. Last evaluated: 2024-07-11. Review status: criteria provided, single submitter. Criteria: Myriad Autosomal Dominant, Autosomal Recessive and X-Linked Classification Criteria (2023). Collection method: clinical testing. Allele origin: unknown.
Comment: This variant is considered benign. This variant is a silent/synonymous amino acid change and it is not expected to impact splicing.

Labcorp Genetics (formerly Invitae), Labcorp
Classification: Likely benign for BAP1-related tumor predisposition syndrome. Last evaluated: 2024-07-02. Review status: criteria provided, single submitter. Criteria: Invitae Variant Classification Sherloc (09022015). Collection method: clinical testing. Allele origin: germline.

Color Diagnostics, LLC DBA Color Health
Classification: Likely benign for Hereditary cancer-predisposing syndrome. Last evaluated: 2023-12-11. Review status: criteria provided, single submitter. Criteria: ACMG Guidelines, 2015. Collection method: clinical testing. Allele origin: germline.

Ambry Genetics
Classification: Likely benign for Hereditary cancer-predisposing syndrome. Last evaluated: 2021-06-23. Review status: criteria provided, single submitter. Criteria: Ambry Variant Classification Scheme 2023. Collection method: clinical testing. Allele origin: germline.

NM_004656.4(BAP1):c.270T>C (p.Ser90=)

Gene: BAP1 (BRCA1 associated deubiquitinase 1; minus strand). Cytogenetic location: 3p21.1.
Variant type: single nucleotide variant.
Coding change: c.270T>C on transcript NM_004656.4 (MANE Select); coding-DNA position 270, T replaced by C.
Protein change: p.Ser90=; no amino-acid change (serine 90 retained).
Molecular consequence: synonymous variant.
Genome position (GRCh38, 1-based): chr3:52,408,063, A>G on the plus strand (T>C on the coding strand, the complement: BAP1 is on the minus strand). VCF-style: chr3-52408063-A-G. GRCh37 (hg19) VCF-style: chr3-52442079-A-G.
Identifiers: ClinVar variation 1093367 (VCV001093367.12), dbSNP rs1705222734, ClinGen allele CA433777764.
Genomic context (GRCh38, chr3:52,408,063, plus strand): 5'-GGGTCCCAGGTCCACGCTGCTGCAGTTCAGGAGCACGCTCAGCAAGGCATGAGTTGCACA[A>G]GAGTTGGGTATCAGCTGTGAAACCAAGAATAGTCACCCATACACAGCACCCCTCACTGCA-3'
Protein context (NP_004647.1, residues 80-100): MFFAHQLIPN[Ser90=]CATHALLSVL